The following is an entry in ClinVar:

ClinVar aggregate classification (germline): Conflicting classifications of pathogenicity. Review status: criteria provided, conflicting classifications (1 of 4 stars). 8 submissions from 8 submitters: Uncertain significance (5); Benign (1); Likely benign (1). 1 of the submissions does not count toward it. Last evaluated 2026-03-02.

Conditions:
PLCE1-related disorder. Also called: PLCE1-related condition.
Inborn genetic diseases. Identifiers: MedGen C0950123, MeSH D030342.
Nephrotic syndrome, type 3 (NPHS3). Also called: NEPHROTIC SYNDROME, EARLY-ONSET, TYPE 3. Identifiers: Orphanet 656, MedGen C1853124, MONDO:0012546, OMIM 610725.

Allele frequency attached by ClinVar (database versions not stated): gnomAD exomes 0.00010 and 0.00025; ExAC 0.00026; TOPMed 0.00113; 1000 Genomes Project 0.00160; gnomAD 0.00101 and 0.00098; ESP Exome Variant Server 0.00113; 1000 Genomes Project 30x 0.00141.
gnomAD v4.1: 306 of 1,614,010 alleles (0.019%); highest among the groups gnomAD compares: African/African-American, 0.35%; 2 homozygotes.

Submissions (8):

GeneDx
Classification: Uncertain significance. Last evaluated: 2026-03-02. Review status: criteria provided, single submitter. Criteria: GeneDx Variant Classification Process June 2021. Collection method: clinical testing. Allele origin: germline.
Comment: In silico analysis suggests that this missense variant does not alter protein structure/function; Has not been previously published as pathogenic or benign to our knowledge

Labcorp Genetics (formerly Invitae), Labcorp
Classification: Benign. Last evaluated: 2025-10-21. Review status: criteria provided, single submitter. Criteria: Invitae Variant Classification Sherloc (09022015). Collection method: clinical testing. Allele origin: germline.

Ambry Genetics
Classification: Likely benign for Inborn genetic diseases. Last evaluated: 2025-09-25. Review status: criteria provided, single submitter. Criteria: Ambry Variant Classification Scheme 2023. Collection method: clinical testing. Allele origin: germline.

Fulgent Genetics
Classification: Uncertain significance for Nephrotic syndrome, type 3. Last evaluated: 2022-05-12. Review status: criteria provided, single submitter. Criteria: ACMG Guidelines, 2015. Collection method: clinical testing. Allele origin: unknown.

Athena Diagnostics
Classification: Uncertain significance. Last evaluated: 2020-03-17. Review status: criteria provided, single submitter. Criteria: Athena Diagnostics Criteria. Collection method: clinical testing. Allele origin: unknown.

Illumina Laboratory Services, Illumina
Classification: Uncertain significance for Nephrotic syndrome, type 3. Last evaluated: 2018-01-12. Review status: criteria provided, single submitter. Criteria: ICSL Variant Classification Criteria 13 December 2019. Collection method: clinical testing. Allele origin: germline.

Breakthrough Genomics
Classification: Uncertain significance. Review status: criteria provided, single submitter. Criteria: ACMG Guidelines, 2015. Collection method: not provided. Allele origin: germline. Inheritance: Autosomal recessive inheritance. Affected: yes.

PreventionGenetics, part of Exact Sciences
Classification: Likely benign for PLCE1-related condition. Last evaluated: 2023-03-27. Review status: no assertion criteria provided. Collection method: clinical testing. Allele origin: germline. Not counted in ClinVar's aggregate classification.
Comment: This variant is classified as likely benign based on ACMG/AMP sequence variant interpretation guidelines (Richards et al. 2015 PMID: 25741868, with internal and published modifications).

NM_016341.4(PLCE1):c.5782G>A (p.Val1928Ile)

Gene: PLCE1 (phospholipase C epsilon 1; plus strand). Cytogenetic location: 10q23.33.
Variant type: single nucleotide variant.
Coding change: c.5782G>A on transcript NM_016341.4 (MANE Select); coding-DNA position 5782, G replaced by A.
Protein change: p.Val1928Ile; replaces valine 1928 with isoleucine.
Molecular consequence: missense variant.
Genome position (GRCh38, 1-based): chr10:94,306,586, G>A. VCF-style: chr10-94306586-G-A. GRCh37 (hg19) VCF-style: chr10-96066343-G-A.
Other names: c.4858G>A, p.Val1620Ile (NM_001165979.2); c.5734G>A, p.Val1912Ile (NM_001288989.2); short protein forms V1928I, V1912I, V1620I.
Identifiers: ClinVar variation 301731 (VCV000301731.16), dbSNP rs202171627, ClinGen allele CA5613423.
Genomic context (GRCh38, chr10:94,306,586, plus strand): 5'-ACAAAGCCCATCCATCGAAACACCCTGAACCCCATGTGGAACGAGCAGTTTCTGTTCCAC[G>A]TTCACTTCGAAGATCTTGTATTTCTTCGTTTTGCAGTTGTGGAAAACAATAGTTCAGCGG-3'
Protein context (NP_057425.3, residues 1918-1938): PMWNEQFLFH[Val1928Ile]HFEDLVFLRF